The following is an entry in ClinVar:

NM_000228.3(LAMB3):c.15C>T (p.Phe5=)

Gene: LAMB3 (laminin subunit beta 3; minus strand). Cytogenetic location: 1q32.2.
Variant type: single nucleotide variant.
Coding change: c.15C>T on transcript NM_000228.3 (MANE Select); coding-DNA position 15, C replaced by T.
Protein change: p.Phe5=; no amino-acid change (phenylalanine 5 retained).
Molecular consequence: synonymous variant.
Genome position (GRCh38, 1-based): chr1:209,650,930, G>A on the plus strand (C>T on the coding strand, the complement: LAMB3 is on the minus strand). VCF-style: chr1-209650930-G-A. GRCh37 (hg19) VCF-style: chr1-209824275-G-A.
Other names: c.15C>T, p.Phe5= (NM_001017402.2, NM_001127641.1).
Identifiers: ClinVar variation 782082 (VCV000782082.17), dbSNP rs140470350, ClinGen allele CA1376142.

ClinVar aggregate classification (germline): Conflicting classifications of pathogenicity. Review status: criteria provided, conflicting classifications (1 of 4 stars). 4 submissions from 4 submitters: Uncertain significance (1); Benign (1); Likely benign (1). 1 of the submissions does not count toward it. Last evaluated 2026-01-26.

Conditions:
LAMB3-related disorder. Also called: LAMB3-related condition.
Junctional epidermolysis bullosa. Identifiers: Orphanet 305, MedGen C0079301, MONDO:0017612.

Allele frequency attached by ClinVar (database versions not stated): 1000 Genomes Project 0.00060; 1000 Genomes Project 30x 0.00062; ExAC 0.00182; gnomAD 0.00183 and 0.00190; ESP Exome Variant Server 0.00185; TOPMed 0.00187; gnomAD exomes 0.00193 and 0.00204.
gnomAD v4.1: 3,278 of 1,614,134 alleles (0.2%); highest among the groups gnomAD compares: Admixed American, 0.26%; 4 homozygotes.

Submissions (4):

Labcorp Genetics (formerly Invitae), Labcorp
Classification: Benign. Last evaluated: 2026-01-26. Review status: criteria provided, single submitter. Criteria: Invitae Variant Classification Sherloc (09022015). Collection method: clinical testing. Allele origin: germline.

Blueprint Genetics
Classification: Likely benign. Last evaluated: 2024-11-21. Review status: criteria provided, single submitter. Criteria: ACMG Guidelines, 2015. Collection method: clinical testing. Allele origin: germline.

Illumina Laboratory Services, Illumina
Classification: Uncertain significance for Junctional epidermolysis bullosa. Last evaluated: 2017-04-27. Review status: criteria provided, single submitter. Criteria: ICSL Variant Classification Criteria 13 December 2019. Collection method: clinical testing. Allele origin: germline.

PreventionGenetics, part of Exact Sciences
Classification: Benign for LAMB3-related condition. Last evaluated: 2020-07-28. Review status: no assertion criteria provided. Collection method: clinical testing. Allele origin: germline. Not counted in ClinVar's aggregate classification.
Comment: This variant is classified as benign based on ACMG/AMP sequence variant interpretation guidelines (Richards et al. 2015 PMID: 25741868, with internal and published modifications).